The following is an entry in ClinVar:

NM_024426.6(WT1):c.257C>T (p.Pro86Leu)

Genes: WT1 (WT1 transcription factor; minus strand), LOC107982234 (WT1/WT1-AS bi-directional promoter region; plus strand). Cytogenetic location: 11p13.
Variant type: single nucleotide variant.
Coding change: c.257C>T on transcript NM_024426.6 (MANE Select); coding-DNA position 257, C replaced by T.
Protein change: p.Pro86Leu; replaces proline 86 with leucine.
Molecular consequence: missense variant. On other transcripts: non-coding transcript variant (2).
Genome position (GRCh38, 1-based): chr11:32,435,104, G>A on the plus strand (C>T on the coding strand, the complement: WT1 is on the minus strand). VCF-style: chr11-32435104-G-A. GRCh37 (hg19) VCF-style: chr11-32456650-G-A.
Other names: c.257C>T, p.Pro86Leu (NM_000378.6, NM_001407044.1, NM_001407045.1 and 6 more transcripts); c.242C>T, p.Pro81Leu (NM_024425.2); short protein forms P86L, P81L.
Identifiers: ClinVar variation 2924031 (VCV002924031.3), dbSNP rs2494485289, ClinGen allele CA379966055.

ClinVar aggregate classification (germline): Uncertain significance (1 of 4 stars; one submission).

Conditions:
Wilms tumor 1 (WT1). Also called: Wilms tumor, somatic. Identifiers: Orphanet 654, MedGen CN033288, MONDO:0008679, OMIM 194070.
Drash syndrome (DDS). Also called: NEPHROPATHY, WILMS TUMOR, AND GENITAL ANOMALIES; WILMS TUMOR AND PSEUDO- OR TRUE HERMAPHRODITISM. Identifiers: Orphanet 220, MedGen C0950121, MONDO:0008682, OMIM 194080.
Frasier syndrome. Identifiers: Orphanet 347, MedGen C0950122, MeSH D052159, MONDO:0007635, OMIM 136680.
11p partial monosomy syndrome (WAGR). Also called: CHROMOSOME 11p13 DELETION SYNDROME; WAGR Spectrum Disorder; WAGR syndrome; WAGR Complex. Identifiers: Orphanet 893, MedGen C0206115, MONDO:0008681, OMIM 194072.

Submission:

Labcorp Genetics (formerly Invitae), Labcorp
Classification: Uncertain significance for Wilms tumor 1; Drash syndrome; 11p partial monosomy syndrome; Frasier syndrome. Last evaluated: 2023-09-11. Review status: criteria provided, single submitter. Criteria: Invitae Variant Classification Sherloc (09022015). Collection method: clinical testing. Allele origin: germline.
Comment: This sequence change replaces proline, which is neutral and non-polar, with leucine, which is neutral and non-polar, at codon 81 of the WT1 protein (p.Pro81Leu). In summary, the available evidence is currently insufficient to determine the role of this variant in disease. Therefore, it has been classified as a Variant of Uncertain Significance. An algorithm developed to predict the effect of missense changes on protein structure and function (PolyPhen-2) suggests that this variant is likely to be disruptive. This variant has not been reported in the literature in individuals affected with WT1-related conditions. This variant is not present in population databases (gnomAD no frequency).